The following is an entry in ClinVar:

ClinVar aggregate classification (germline): Pathogenic (1 of 4 stars; one submission).

Conditions:
Donnai-Barrow syndrome. Also called: DBS/FOAR SYNDROME; FACIOOCULOACOUSTICORENAL SYNDROME. Identifiers: Orphanet 2143, MedGen C1857277, MONDO:0009104, OMIM 222448.

Submission:

Myriad Genetics, Inc.
Classification: Pathogenic for Donnai-Barrow syndrome. Last evaluated: 2025-11-03. Review status: criteria provided, single submitter. Criteria: Myriad Autosomal Dominant, Autosomal Recessive and X-Linked Classification Criteria (2023). Collection method: clinical testing. Allele origin: unknown.
Comment: NM_004525.2(LRP2):c.10265G>A(W3422*) is expected to be pathogenic in the context of Donnai-Barrow syndrome. This variant is predicted to lead to an abnormal or absent protein product due to the creation of a premature termination codon in LRP2, a gene where loss-of-function variants are known to be pathogenic. Please note: this variant was assessed in the context of healthy population screening.

NM_004525.3(LRP2):c.10265G>A (p.Trp3422Ter)

Gene: LRP2 (LDL receptor related protein 2; minus strand). Cytogenetic location: 2q31.1.
Variant type: single nucleotide variant.
Coding change: c.10265G>A on transcript NM_004525.3 (MANE Select); coding-DNA position 10265, G replaced by A.
Protein change: p.Trp3422Ter; replaces tryptophan 3422 with a stop codon.
Molecular consequence: nonsense.
Genome position (GRCh38, 1-based): chr2:169,177,931, C>T on the plus strand (G>A on the coding strand, the complement: LRP2 is on the minus strand). VCF-style: chr2-169177931-C-T. GRCh37 (hg19) VCF-style: chr2-170034441-C-T.
Other names: short protein forms W3422*.
Identifiers: ClinVar variation 5015161 (VCV005015161.1), dbSNP rs147452765.
Genomic context (GRCh38, chr2:169,177,931, plus strand): 5'-TGTCTATTTGATCCATCATATTTGTTTCCCTTTTCCACTGTCCTTGTATTCCAATCTGTC[C>T]AATAAATAGTGTCTTCAAAAATGGTAATAGCGAAAGGGTGAGGCAGTGCCCCATCATACA-3'